The following is an entry in ClinVar:

NM_198578.4(LRRK2):c.1851G>A (p.Lys617=)

Gene: LRRK2 (leucine rich repeat kinase 2; plus strand). Cytogenetic location: 12q12.
Variant type: single nucleotide variant.
Coding change: c.1851G>A on transcript NM_198578.4 (MANE Select); coding-DNA position 1851, G replaced by A.
Protein change: p.Lys617=; no amino-acid change (lysine 617 retained).
Molecular consequence: synonymous variant.
Genome position (GRCh38, 1-based): chr12:40,274,903, G>A. VCF-style: chr12-40274903-G-A. GRCh37 (hg19) VCF-style: chr12-40668705-G-A.
Identifiers: ClinVar variation 2768426 (VCV002768426.3), dbSNP rs766365116, ClinGen allele CA479239059.

ClinVar aggregate classification (germline): Uncertain significance (1 of 4 stars; one submission).

Conditions:
Autosomal dominant Parkinson disease 8. Also called: LRRK2-Related Parkinson Disease; Parkinson disease 8; Parkinson disease 8, susceptibility to. Identifiers: Orphanet 411602, MedGen C1846862, MONDO:0011764, OMIM 607060.

Allele frequency attached by ClinVar (database versions not stated): TOPMed 0.00001.
gnomAD v4.1: 4 of 1,613,112 alleles (0.00025%); highest among the groups gnomAD compares: Non-Finnish European, 0.00034%; no homozygotes.

Submission:

Labcorp Genetics (formerly Invitae), Labcorp
Classification: Uncertain significance for Autosomal dominant Parkinson disease 8. Last evaluated: 2023-03-14. Review status: criteria provided, single submitter. Criteria: Invitae Variant Classification Sherloc (09022015). Collection method: clinical testing. Allele origin: germline.
Comment: In summary, the available evidence is currently insufficient to determine the role of this variant in disease. Therefore, it has been classified as a Variant of Uncertain Significance. Algorithms developed to predict the effect of sequence changes on RNA splicing suggest that this variant may create or strengthen a splice site. This variant has not been reported in the literature in individuals affected with LRRK2-related conditions. This variant is not present in population databases (gnomAD no frequency). This sequence change affects codon 617 of the LRRK2 mRNA. It is a 'silent' change, meaning that it does not change the encoded amino acid sequence of the LRRK2 protein.